The following is an entry in ClinVar:

ClinVar aggregate classification (germline): Uncertain significance. Review status: criteria provided, multiple submitters, no conflicts (2 of 4 stars). 2 submissions from 2 submitters: Uncertain significance (2). Last evaluated 2025-02-12.

Conditions:
Inborn genetic diseases. Identifiers: MedGen C0950123, MeSH D030342.
Chédiak-Higashi syndrome (CHS). Also called: Chediak-Higashi Syndrome. Identifiers: Orphanet 167, MedGen C0007965, MONDO:0008963, OMIM 214500.

Allele frequency attached by ClinVar (database versions not stated): TOPMed 0.00001; gnomAD 0.00002; gnomAD exomes 0.00002.
gnomAD v4.1: 14 of 1,613,874 alleles (0.00087%); highest among the groups gnomAD compares: Admixed American, 0.0083%; no homozygotes.

Submissions (2):

Ambry Genetics
Classification: Uncertain significance for Inborn genetic diseases. Last evaluated: 2025-02-12. Review status: criteria provided, single submitter. Criteria: Ambry Variant Classification Scheme 2023. Collection method: clinical testing. Allele origin: germline.

Labcorp Genetics (formerly Invitae), Labcorp
Classification: Uncertain significance for Chédiak-Higashi syndrome. Last evaluated: 2022-08-03. Review status: criteria provided, single submitter. Criteria: Invitae Variant Classification Sherloc (09022015). Collection method: clinical testing. Allele origin: germline.
Comment: This sequence change replaces glycine, which is neutral and non-polar, with serine, which is neutral and polar, at codon 1408 of the LYST protein (p.Gly1408Ser). This variant is present in population databases (no rsID available, gnomAD 0.01%). This variant has not been reported in the literature in individuals affected with LYST-related conditions. Algorithms developed to predict the effect of missense changes on protein structure and function output the following: SIFT: "Tolerated"; PolyPhen-2: "Benign"; Align-GVGD: "Class C0". The serine amino acid residue is found in multiple mammalian species, which suggests that this missense change does not adversely affect protein function. In summary, the available evidence is currently insufficient to determine the role of this variant in disease. Therefore, it has been classified as a Variant of Uncertain Significance.

NM_000081.4(LYST):c.4222G>A (p.Gly1408Ser)

Gene: LYST (lysosomal trafficking regulator; minus strand). Cytogenetic location: 1q42.3.
Variant type: single nucleotide variant.
Coding change: c.4222G>A on transcript NM_000081.4 (MANE Select); coding-DNA position 4222, G replaced by A.
Protein change: p.Gly1408Ser; replaces glycine 1408 with serine.
Molecular consequence: missense variant.
Genome position (GRCh38, 1-based): chr1:235,792,020, C>T on the plus strand (G>A on the coding strand, the complement: LYST is on the minus strand). VCF-style: chr1-235792020-C-T. GRCh37 (hg19) VCF-style: chr1-235955320-C-T.
Other names: c.4222G>A, p.Gly1408Ser (NM_001301365.1); c.4222G>A (NM_000081.2); short protein forms G1408S.
Identifiers: ClinVar variation 2077930 (VCV002077930.2), dbSNP rs916754425, ClinGen allele CA39628088.